The following is an entry in ClinVar:

NM_001242896.3(DEPDC5):c.3486-1G>T

Gene: DEPDC5 (DEP domain containing 5, GATOR1 subcomplex subunit; plus strand). Cytogenetic location: 22q12.3.
Variant type: single nucleotide variant.
Coding change: c.3486-1G>T on transcript NM_001242896.3 (MANE Select); the canonical splice acceptor site of the intron before coding-DNA position 3486, G replaced by T.
Molecular consequence: splice acceptor variant. On other transcripts: non-coding transcript variant (1).
Genome position (GRCh38, 1-based): chr22:31,873,254, G>T. VCF-style: chr22-31873254-G-T. GRCh37 (hg19) VCF-style: chr22-32269240-G-T.
Other names: c.3486-1G>T (NM_001364318.2); c.3459-1G>T (NM_001136029.4); c.3393-1G>T (NM_014662.6, NM_001369903.1); c.3420-1G>T (NM_001363852.2, NM_001364320.2); c.3252-1G>T (NM_001363854.2, NM_001364319.2); c.3186-1G>T (NM_001242897.2); c.3402-1G>T (NM_001369902.1, NM_001369901.1).
Identifiers: ClinVar variation 2813206 (VCV002813206.3), dbSNP rs2522341176, ClinGen allele CA411277167.

ClinVar aggregate classification (germline): Likely pathogenic (1 of 4 stars; one submission).

Conditions:
Familial focal epilepsy with variable foci (FPEVF). Identifiers: Orphanet 98820, MedGen C1858477, MONDO:0020310.

Submission:

Labcorp Genetics (formerly Invitae), Labcorp
Classification: Likely pathogenic for Familial focal epilepsy with variable foci. Last evaluated: 2022-11-10. Review status: criteria provided, single submitter. Criteria: Invitae Variant Classification Sherloc (09022015). Collection method: clinical testing. Allele origin: germline.
Comment: In summary, the currently available evidence indicates that the variant is pathogenic, but additional data are needed to prove that conclusively. Therefore, this variant has been classified as Likely Pathogenic. This sequence change affects an acceptor splice site in intron 34 of the DEPDC5 gene. It is expected to disrupt RNA splicing. Variants that disrupt the donor or acceptor splice site typically lead to a loss of protein function (PMID: 16199547), and loss-of-function variants in DEPDC5 are known to be pathogenic (PMID: 23542697, 23542701). This variant is not present in population databases (gnomAD no frequency). This variant has not been reported in the literature in individuals affected with DEPDC5-related conditions. Algorithms developed to predict the effect of sequence changes on RNA splicing suggest that this variant may disrupt the consensus splice site.

Literature cited by the submitters: PubMed 16199547; PubMed 23542697; PubMed 23542701.